The following is an entry in ClinVar:

ClinVar aggregate classification (germline): Uncertain significance. Review status: criteria provided, multiple submitters, no conflicts (2 of 4 stars). 2 submissions from 2 submitters: Uncertain significance (2). Last evaluated 2022-07-28.

Conditions:
Glaucoma 3, primary infantile, B. Also called: GLAUCOMA, PRIMARY CONGENITAL, TYPE B; GLC3 type B; Primary congenital glaucoma type 3B; Glaucoma primary congenita type 3B; GLC3B. Identifiers: Orphanet 98976, MedGen C1832977, MONDO:0010968, OMIM 600975.
Glaucoma 3, primary congenital, D. Identifiers: Orphanet 98976, MedGen C2751316, MONDO:0013122, OMIM 613086.
Microspherophakia and/or megalocornea, with ectopia lentis and with or without secondary glaucoma (MSPKA). Identifiers: Orphanet 238763, MedGen C3538951, MONDO:0009633, OMIM 251750.
Weill-Marchesani syndrome 3 (WMS3). Also called: LTBP2-Related Weill-Marchesani Syndrome; Weill-Marchesani syndrome 3, recessive. Identifiers: Orphanet 3449, MedGen C3553785, MONDO:0013899, OMIM 614819.

Allele frequency attached by ClinVar (database versions not stated): gnomAD exomes 0.00003 and 0.00004; ExAC 0.00004; gnomAD 0.00005 and 0.00006; TOPMed 0.00007; ESP Exome Variant Server 0.00008.
gnomAD v4.1: 69 of 1,613,408 alleles (0.0043%); highest among the groups gnomAD compares: African/African-American, 0.012%; no homozygotes.

Submissions (2):

Labcorp Genetics (formerly Invitae), Labcorp
Classification: Uncertain significance. Last evaluated: 2022-07-28. Review status: criteria provided, single submitter. Criteria: Invitae Variant Classification Sherloc (09022015). Collection method: clinical testing. Allele origin: germline.
Comment: This sequence change replaces glycine, which is neutral and non-polar, with arginine, which is basic and polar, at codon 1648 of the LTBP2 protein (p.Gly1648Arg). This variant is present in population databases (rs370119182, gnomAD 0.02%). This variant has not been reported in the literature in individuals affected with LTBP2-related conditions. ClinVar contains an entry for this variant (Variation ID: 1447800). Algorithms developed to predict the effect of missense changes on protein structure and function (SIFT, PolyPhen-2, Align-GVGD) all suggest that this variant is likely to be disruptive. In summary, the available evidence is currently insufficient to determine the role of this variant in disease. Therefore, it has been classified as a Variant of Uncertain Significance.

Fulgent Genetics
Classification: Uncertain significance for Microspherophakia and/or megalocornea, with ectopia lentis and with or without secondary glaucoma; Glaucoma 3, primary infantile, B; Glaucoma 3, primary congenital, D; Weill-Marchesani syndrome 3. Last evaluated: 2022-03-14. Review status: criteria provided, single submitter. Criteria: ACMG Guidelines, 2015. Collection method: clinical testing. Allele origin: unknown.

NM_000428.3(LTBP2):c.4942G>A (p.Gly1648Arg)

Gene: LTBP2 (latent transforming growth factor beta binding protein 2; minus strand). Cytogenetic location: 14q24.3.
Variant type: single nucleotide variant.
Coding change: c.4942G>A on transcript NM_000428.3 (MANE Select); coding-DNA position 4942, G replaced by A.
Protein change: p.Gly1648Arg; replaces glycine 1648 with arginine.
Molecular consequence: missense variant.
Genome position (GRCh38, 1-based): chr14:74,502,881, C>T on the plus strand (G>A on the coding strand, the complement: LTBP2 is on the minus strand). VCF-style: chr14-74502881-C-T. GRCh37 (hg19) VCF-style: chr14-74969584-C-T.
Other names: short protein forms G1648R.
Identifiers: ClinVar variation 1447800 (VCV001447800.4), dbSNP rs370119182, ClinGen allele CA7268572.